The following is an entry in ClinVar:

ClinVar aggregate classification (germline): Uncertain significance (1 of 4 stars; one submission).

Conditions:
Inborn genetic diseases. Identifiers: MedGen C0950123, MeSH D030342.

gnomAD v4.1: 1 of 1,614,046 alleles (0.000062%); highest among the groups gnomAD compares: Admixed American, 0.0017%; no homozygotes.

Submission:

Ambry Genetics
Classification: Uncertain significance for Inborn genetic diseases. Last evaluated: 2026-03-24. Review status: criteria provided, single submitter. Criteria: Ambry Variant Classification Scheme 2023. Collection method: clinical testing. Allele origin: germline.
Comment: The p.L1631F variant (also known as c.4893A>C), located in coding exon 32 of the ANKRD26 gene, results from an A to C substitution at nucleotide position 4893. The leucine at codon 1631 is replaced by phenylalanine, an amino acid with highly similar properties. This amino acid position is conserved. In addition, this alteration is predicted to be tolerated by in silico analysis. Based on the available evidence, the clinical significance of this variant remains unclear.

NM_014915.3(ANKRD26):c.4893A>C (p.Leu1631Phe)

Gene: ANKRD26 (ankyrin repeat domain 26; minus strand). Cytogenetic location: 10p12.1.
Variant type: single nucleotide variant.
Coding change: c.4893A>C on transcript NM_014915.3 (MANE Select); coding-DNA position 4893, A replaced by C.
Protein change: p.Leu1631Phe; replaces leucine 1631 with phenylalanine.
Molecular consequence: missense variant.
Genome position (GRCh38, 1-based): chr10:27,012,942, T>G on the plus strand (A>C on the coding strand, the complement: ANKRD26 is on the minus strand). VCF-style: chr10-27012942-T-G. GRCh37 (hg19) VCF-style: chr10-27301871-T-G.
Other names: c.4890A>C, p.Leu1630Phe (NM_001256053.2); short protein forms L1630F, L1631F.
Identifiers: ClinVar variation 4859141 (VCV004859141.1).